The following is an entry in ClinVar:

NM_000987.5(RPL26):c.31C>A (p.Arg11=)

Gene: RPL26 (ribosomal protein L26; minus strand). Cytogenetic location: 17p13.1.
Variant type: single nucleotide variant.
Coding change: c.31C>A on transcript NM_000987.5 (MANE Select); coding-DNA position 31, C replaced by A.
Protein change: p.Arg11=; no amino-acid change (arginine 11 retained).
Molecular consequence: synonymous variant.
Genome position (GRCh38, 1-based): chr17:8,382,280, G>T on the plus strand (C>A on the coding strand, the complement: RPL26 is on the minus strand). VCF-style: chr17-8382280-G-T. GRCh37 (hg19) VCF-style: chr17-8285598-G-T.
Other names: c.31C>A, p.Arg11= (NM_001315530.2, NM_001315531.2).
Identifiers: ClinVar variation 4717522 (VCV004717522.1).

ClinVar aggregate classification (germline): Uncertain significance (1 of 4 stars; one submission).

Conditions:
Diamond-Blackfan anemia. Also called: Blackfan Diamond syndrome; Aregenerative anemia chronic congenital; Red cell aplasia, pure hereditary; Congenital hypoplastic anemia; Aase syndrome. Identifiers: Orphanet 124, MedGen C1260899, MeSH D029503, MONDO:0015253, HP:0004810.

Submission:

Labcorp Genetics (formerly Invitae), Labcorp
Classification: Uncertain significance for Diamond-Blackfan anemia. Last evaluated: 2025-07-17. Review status: criteria provided, single submitter. Criteria: Invitae Variant Classification Sherloc (09022015). Collection method: clinical testing. Allele origin: germline.
Comment: This sequence change affects codon 11 of the RPL26 mRNA. It is a 'silent' change, meaning that it does not change the encoded amino acid sequence of the RPL26 protein. This variant is not present in population databases (gnomAD no frequency). This variant has not been reported in the literature in individuals affected with RPL26-related conditions. Algorithms developed to predict the effect of sequence changes on RNA splicing suggest that this variant may create or strengthen a splice site. In summary, the available evidence is currently insufficient to determine the role of this variant in disease. Therefore, it has been classified as a Variant of Uncertain Significance.